The following is an entry in ClinVar:

NM_000043.6(FAS):c.265A>T (p.Lys89Ter)

Gene: FAS (Fas cell surface death receptor; plus strand). Cytogenetic location: 10q23.31.
Variant type: single nucleotide variant.
Coding change: c.265A>T on transcript NM_000043.6 (MANE Select); coding-DNA position 265, A replaced by T.
Protein change: p.Lys89Ter; replaces lysine 89 with a stop codon.
Molecular consequence: nonsense. On other transcripts: non-coding transcript variant (4).
Genome position (GRCh38, 1-based): chr10:89,007,768, A>T. VCF-style: chr10-89007768-A-T. GRCh37 (hg19) VCF-style: chr10-90767525-A-T.
Other names: p.Lys89*; c.265A>T, p.Lys89Ter (NM_001320619.2, NM_152871.4, NM_152872.4); c.310A>T, p.Lys104Ter (NM_001410956.1); short protein forms K104*, K89*.
Identifiers: ClinVar variation 3381062 (VCV003381062.1).

ClinVar aggregate classification (germline): Likely pathogenic (1 of 4 stars; one submission).

Submission:

Mayo Clinic Laboratories, Mayo Clinic
Classification: Likely pathogenic. Last evaluated: 2024-05-30. Review status: criteria provided, single submitter. Criteria: ACMG Guidelines, 2015. Collection method: clinical testing. Allele origin: germline. Observed: 1 variant allele.
Comment: PM2, PVS1